The following is an entry in ClinVar:

ClinVar aggregate classification (germline): Uncertain significance (1 of 4 stars; one submission).

Conditions:
Sulfite oxidase deficiency due to molybdenum cofactor deficiency type A. Also called: Molybdenum cofactor deficiency, complementation group A; Molybdenum Cofactor Deficiency A. Identifiers: Orphanet 308386, Orphanet 833, MedGen C1854988, MONDO:0009643, OMIM 252150.

Allele frequency attached by ClinVar (database versions not stated): gnomAD 0.00001.
gnomAD v4.1: 1 of 1,609,824 alleles (0.000062%); highest among the groups gnomAD compares: Non-Finnish European, 0.000085%; no homozygotes.

Submission:

Labcorp Genetics (formerly Invitae), Labcorp
Classification: Uncertain significance for Sulfite oxidase deficiency due to molybdenum cofactor deficiency type A. Last evaluated: 2022-06-04. Review status: criteria provided, single submitter. Criteria: Invitae Variant Classification Sherloc (09022015). Collection method: clinical testing. Allele origin: germline.
Comment: This sequence change falls in intron 2 of the MOCS1 gene. It does not directly change the encoded amino acid sequence of the MOCS1 protein. It affects a nucleotide within the consensus splice site. This variant is present in population databases (no rsID available, gnomAD 0.007%). This variant has not been reported in the literature in individuals affected with MOCS1-related conditions. Variants that disrupt the consensus splice site are a relatively common cause of aberrant splicing (PMID: 17576681, 9536098). Experimental studies and prediction algorithms are not available or were not evaluated, and the effect of this variant on mRNA splicing is currently unknown. In summary, the available evidence is currently insufficient to determine the role of this variant in disease. Therefore, it has been classified as a Variant of Uncertain Significance.

Literature cited by the submitters: PubMed 17576681; PubMed 9536098.

NM_001358530.2(MOCS1):c.250+5G>A

Gene: MOCS1 (molybdenum cofactor synthesis 1; minus strand). Cytogenetic location: 6p21.2.
Variant type: single nucleotide variant.
Coding change: c.250+5G>A on transcript NM_001358530.2 (MANE Select); 5 bases into the intron after coding-DNA position 250, G replaced by A.
Molecular consequence: intron variant.
Genome position (GRCh38, 1-based): chr6:39,927,324, C>T on the plus strand (G>A on the coding strand, the complement: MOCS1 is on the minus strand). VCF-style: chr6-39927324-C-T. GRCh37 (hg19) VCF-style: chr6-39895063-C-T.
Other names: c.-11-1479G>A (NM_001358531.2, NM_001358533.2); c.250+5G>A (NM_001358529.2, NM_001075098.4, NM_005943.6); c.-12+5G>A (NM_001358534.2).
Identifiers: ClinVar variation 2047972 (VCV002047972.4), dbSNP rs1179489188, ClinGen allele CA566888115.
Genomic context (GRCh38, chr6:39,927,324, plus strand): 5'-GAAATTTCAAGGGCTGCTTCAGCAGATGGACACCAGCCCAGAGAGGGCCCAGGAAGGTGA[C>T]TCACATCTGAGGTTGCACTTCTCTGTGAGGGAGATCCGCAGGTAGCTGTGCTGCCGGCCG-3'